The following is an entry in ClinVar:

NM_001374828.1(ARID1B):c.5108T>C (p.Met1703Thr)

Gene: ARID1B (AT-rich interaction domain 1B; plus strand). Cytogenetic location: 6q25.3.
Variant type: single nucleotide variant.
Coding change: c.5108T>C on transcript NM_001374828.1 (MANE Select); coding-DNA position 5108, T replaced by C.
Protein change: p.Met1703Thr; replaces methionine 1703 with threonine.
Molecular consequence: missense variant.
Genome position (GRCh38, 1-based): chr6:157,201,333, T>C. VCF-style: chr6-157201333-T-C. GRCh37 (hg19) VCF-style: chr6-157522467-T-C.
Other names: c.2609T>C, p.Met870Thr (NM_001363725.2); c.4988T>C, p.Met1663Thr (NM_001371656.1, NM_001374820.1); c.5237T>C, p.Met1746Thr (NM_001438482.1); c.5150T>C, p.Met1717Thr (NM_001438483.1); c.5018T>C, p.Met1673Thr (NM_001438485.1); c.4991T>C, p.Met1664Thr (NM_001438486.1); c.4928T>C, p.Met1643Thr (NM_001438487.1); c.2450T>C, p.Met817Thr (NM_001438488.1); and 1 more; short protein forms M1643T, M1673T, M1703T, M870T, M1664T, M1717T, M1746T, M1650T.
Identifiers: ClinVar variation 5008312 (VCV005008312.1).

ClinVar aggregate classification (germline): Uncertain significance (1 of 4 stars; one submission).

Submission:

GeneDx
Classification: Uncertain significance. Last evaluated: 2026-03-01. Review status: criteria provided, single submitter. Criteria: GeneDx Variant Classification Process June 2021. Collection method: clinical testing. Allele origin: germline.
Comment: Not observed at significant frequency in large population cohorts (gnomAD); In silico analysis supports that this missense variant has a deleterious effect on protein structure/function; Has not been previously published as pathogenic or benign to our knowledge